The following is an entry in ClinVar:

ClinVar aggregate classification (germline): Conflicting classifications of pathogenicity. Review status: criteria provided, conflicting classifications (1 of 4 stars). 4 submissions from 4 submitters: Uncertain significance (3); Likely benign (1). Last evaluated 2024-10-17.

Conditions:
Intellectual disability, autosomal recessive 53 (NEDHSCA). Also called: GLYCOSYLPHOSPHATIDYLINOSITOL BIOSYNTHESIS DEFECT 13; Mental retardation, autosomal recessive 53; NEURODEVELOPMENTAL DISORDER WITH OR WITHOUT HYPOTONIA, SEIZURES, AND CEREBELLAR ATROPHY. Identifiers: Orphanet 488635, MedGen C4310794, MONDO:0014832, OMIM 616917.
Inborn genetic diseases. Identifiers: MedGen C0950123, MeSH D030342.

Allele frequency attached by ClinVar (database versions not stated): 1000 Genomes Project 0.00020; TOPMed 0.00025; gnomAD 0.00026 and 0.00028; 1000 Genomes Project 30x 0.00031; ESP Exome Variant Server 0.00031.

Submissions (4):

Blueprint Genetics
Classification: Likely benign. Last evaluated: 2024-10-17. Review status: criteria provided, single submitter. Criteria: ACMG Guidelines, 2015. Collection method: clinical testing. Allele origin: germline.

GeneDx
Classification: Uncertain significance. Last evaluated: 2024-05-13. Review status: criteria provided, single submitter. Criteria: GeneDx Variant Classification Process June 2021. Collection method: clinical testing. Allele origin: germline. Affected: yes.
Comment: In silico analysis supports that this missense variant does not alter protein structure/function; Has not been previously published as pathogenic or benign to our knowledge

Labcorp Genetics (formerly Invitae), Labcorp
Classification: Uncertain significance for Intellectual disability, autosomal recessive 53. Last evaluated: 2023-12-19. Review status: criteria provided, single submitter. Criteria: Invitae Variant Classification Sherloc (09022015). Collection method: clinical testing. Allele origin: germline.
Comment: This sequence change replaces glycine, which is neutral and non-polar, with arginine, which is basic and polar, at codon 41 of the PIGG protein (p.Gly41Arg). This variant is present in population databases (rs148185426, gnomAD 0.05%). This variant has not been reported in the literature in individuals affected with PIGG-related conditions. ClinVar contains an entry for this variant (Variation ID: 652187). Advanced modeling of protein sequence and biophysical properties (such as structural, functional, and spatial information, amino acid conservation, physicochemical variation, residue mobility, and thermodynamic stability) performed at Invitae indicates that this missense variant is not expected to disrupt PIGG protein function with a negative predictive value of 80%. In summary, the available evidence is currently insufficient to determine the role of this variant in disease. Therefore, it has been classified as a Variant of Uncertain Significance.

Ambry Genetics
Classification: Uncertain significance for Inborn genetic diseases. Last evaluated: 2022-08-02. Review status: criteria provided, single submitter. Criteria: Ambry Variant Classification Scheme 2023. Collection method: clinical testing. Allele origin: germline.

NM_001127178.3(PIGG):c.121G>A (p.Gly41Arg)

Gene: PIGG (phosphatidylinositol glycan anchor biosynthesis class G (EMM blood group); plus strand). Cytogenetic location: 4p16.3.
Variant type: single nucleotide variant.
Coding change: c.121G>A on transcript NM_001127178.3 (MANE Select); coding-DNA position 121, G replaced by A.
Protein change: p.Gly41Arg; replaces glycine 41 with arginine.
Molecular consequence: missense variant. On other transcripts: 5 prime UTR variant (9), non-coding transcript variant (10), intron variant (1).
Genome position (GRCh38, 1-based): chr4:499,456, G>A. VCF-style: chr4-499456-G-A. GRCh37 (hg19) VCF-style: chr4-493245-G-A.
Other names: c.121G>A (NM_001127178.1); c.121G>A, p.Gly41Arg (NM_001289052.2, NM_001345989.2, NM_017733.5); c.-705G>A (NM_001289053.2); c.-316G>A (NM_001289055.2); c.-383G>A (NM_001289057.2, NM_001345986.2, NM_001345987.2); c.-1003G>A (NM_001345988.2); c.-1505G>A (NM_001345990.2); c.-1603G>A (NM_001345991.2); and 2 more; short protein forms G41R.
Identifiers: ClinVar variation 652187 (VCV000652187.12), dbSNP rs148185426, ClinGen allele CA2792892.